The following is an entry in ClinVar:

NM_021005.4(NR2F2):c.418C>T (p.Leu140Phe)

Gene: NR2F2 (nuclear receptor subfamily 2 group F member 2; plus strand). Cytogenetic location: 15q26.2.
Variant type: single nucleotide variant.
Coding change: c.418C>T on transcript NM_021005.4 (MANE Select); coding-DNA position 418, C replaced by T.
Protein change: p.Leu140Phe; replaces leucine 140 with phenylalanine.
Molecular consequence: missense variant. On other transcripts: intron variant (1).
Genome position (GRCh38, 1-based): chr15:96,332,523, C>T. VCF-style: chr15-96332523-C-T. GRCh37 (hg19) VCF-style: chr15-96875752-C-T.
Other names: c.44-1553C>T (NM_001145155.2); short protein forms L140F.
Identifiers: ClinVar variation 1805184 (VCV001805184.1), dbSNP rs2505770201, ClinGen allele CA393930333.

ClinVar aggregate classification (germline): Uncertain significance (1 of 4 stars; one submission).

Conditions:
Congenital heart defects, multiple types, 4 (CHTD4). Identifiers: MedGen C4014310, MONDO:0014344, OMIM 615779.

Allele frequency attached by ClinVar (database versions not stated): gnomAD exomes below 0.00001.
gnomAD v4.1: 4 of 1,612,716 alleles (0.00025%); highest among the groups gnomAD compares: Non-Finnish European, 0.00034%; no homozygotes.

Submission:

Victorian Clinical Genetics Services, Murdoch Childrens Research Institute
Classification: Uncertain significance for Congenital heart defects, multiple types, 4. Last evaluated: 2020-06-11. Review status: criteria provided, single submitter. Criteria: ACMG Guidelines, 2015. Collection method: clinical testing. Allele origin: germline. Inheritance: Autosomal dominant inheritance. Affected: yes.
Comment: Based on the classification scheme VCGS_Germline_v1.1.1, this variant is classified as VUS – 3B. Following criteria are met: 0102 - Loss-of-function is a known mechanism of disease for this gene. (N) 0107 - This gene is known to be associated with autosomal dominant disease. (N) 0112 - Variants in this gene are known to have reduced penetrance (PMID: 29663647). (N) 0200 - Variant is predicted to result in a missense amino acid change from leucine to phenylalanine (exon 1). (N) 0251 - Variant is heterozygous. (N) 0301 - Variant is absent from gnomAD. (P) 0502 - Missense variant with conflicting in silico predictions and/or uninformative conservation. (N) 0603 - Missense variant in a region that is highly intolerant to missense variation (high constraint region). (P) 0705 - No comparable variants have previous evidence for pathogenicity. (N) 0807 - Variant has not previously been reported in a clinical context. (N) 0905 - No segregation evidence has been identified for this variant. (N) 1007 - No published functional evidence has been identified for this variant. (N) 1208 - Inheritance information for this variant is not currently available. (N) Legend: (P) - Pathogenic, (N) - Neutral, (B) - Benign

Literature cited by the submitters: PubMed 29663647.